The following is an entry in ClinVar:

NM_018979.4(WNK1):c.4847_4848insTA (p.Leu1617fs)

Gene: WNK1 (WNK lysine deficient protein kinase 1; plus strand). Cytogenetic location: 12p13.33.
Variant type: Insertion.
Coding change: c.4847_4848insTA on transcript NM_018979.4 (MANE Select); coding-DNA positions 4847 to 4848, TA inserted.
Protein change: p.Leu1617fs; shifts the reading frame from leucine 1617.
Molecular consequence: frameshift variant.
Genome position: GRCh38 VCF-style: chr12-885651-C-CTA. GRCh37 (hg19) VCF-style: chr12-994817-C-CTA.
Other names: c.5627_5628insTA, p.Leu1877fs (NM_001184985.2); c.4106_4107insTA, p.Leu1370fs (NM_014823.3); c.5603_5604insTA, p.Leu1869fs (NM_213655.5); short protein forms L1370fs, L1617fs, L1869fs, L1877fs.
Identifiers: ClinVar variation 3755640 (VCV003755640.2).

ClinVar aggregate classification (germline): Pathogenic (1 of 4 stars; one submission).

Conditions:
Neuropathy, hereditary sensory and autonomic, type 2A (HSAN2A). Also called: ACROOSTEOLYSIS, GIACCAI TYPE; ACROOSTEOLYSIS, NEUROGENIC; MORVAN DISEASE; NEUROPATHY, CONGENITAL SENSORY; NEUROPATHY, HEREDITARY SENSORY RADICULAR, AUTOSOMAL RECESSIVE; NEUROPATHY, HEREDITARY SENSORY, TYPE IIA. Identifiers: Orphanet 970, MedGen C2752089, MONDO:0024309, OMIM 201300.
Pseudohypoaldosteronism type 2C (PHA2C). Also called: Pseudohypoaldosteronism Type IIC. Identifiers: Orphanet 757, Orphanet 88940, MedGen C1840391, MONDO:0013778, OMIM 614492.

Submission:

Labcorp Genetics (formerly Invitae), Labcorp
Classification: Pathogenic for Neuropathy, hereditary sensory and autonomic, type 2A; Pseudohypoaldosteronism type 2C. Last evaluated: 2024-04-02. Review status: criteria provided, single submitter. Criteria: Invitae Variant Classification Sherloc (09022015). Collection method: clinical testing. Allele origin: germline.
Comment: This sequence change creates a premature translational stop signal (p.Leu1869Asnfs*2) in the WNK1 gene. It is expected to result in an absent or disrupted protein product. Loss-of-function variants in WNK1 are known to be pathogenic (PMID: 22910560). This variant is not present in population databases (gnomAD no frequency). This variant has not been reported in the literature in individuals affected with WNK1-related conditions. For these reasons, this variant has been classified as Pathogenic.

Literature cited by the submitters: PubMed 22910560.